The following is an entry in ClinVar:

NM_020631.6(PLEKHG5):c.567CCG[1] (p.Arg191del)

Gene: PLEKHG5 (pleckstrin homology and RhoGEF domain containing G5; minus strand). Cytogenetic location: 1p36.31.
Variant type: Microsatellite.
Coding change: c.567CCG[1] on transcript NM_020631.6 (MANE Select); one copy of the 3-base unit CCG starting at c.567; the reference has two copies in a row; one copy, 3 bases deleted.
Protein change: p.Arg191del; deletes arginine 191.
Molecular consequence: inframe deletion. On other transcripts: inframe indel (4).
Genome position (GRCh38, 1-based): chr1:6,474,032-6,474,034, CGG deleted on the plus strand (CCG on the coding strand, the reverse complement: PLEKHG5 is on the minus strand); deleting any 3 consecutive bases within chr1:6,474,032-6,474,038 gives the same sequence; the position shown is the placement nearest the transcript's 3' end. VCF-style (leftmost placement, unchanged base first): chr1-6474031-CCGG-C. GRCh37 (hg19) VCF-style: chr1-6534091-CCGG-C.
Other names: c.678CCG[1], p.Arg228del (NM_001042663.3, NM_001265592.2); c.566_568GCC[1], p.Arg191del (NM_001042664.2, NM_001042665.2, NM_001265594.3); c.773_775GCC[1], p.Arg260del (NM_001265593.2); c.567CCG[1], p.Arg191del (NM_198681.4); short protein forms R228del, R260del, R191del.
Identifiers: ClinVar variation 1036780 (VCV001036780.8), dbSNP rs1380854015, ClinGen allele CA521018914.

ClinVar aggregate classification (germline): Uncertain significance (1 of 4 stars; one submission).

Conditions:
Charcot-Marie-Tooth disease recessive intermediate C. Also called: CHARCOT-MARIE-TOOTH NEUROPATHY, RECESSIVE INTERMEDIATE C. Identifiers: Orphanet 369867, MedGen C3809309, MONDO:0014154, OMIM 615376.
Neuronopathy, distal hereditary motor, autosomal recessive 4. Also called: Autosomal recessive lower motor neuron disease with childhood onset; NEUROPATHY, DISTAL HEREDITARY MOTOR, AUTOSOMAL RECESSIVE 4. Identifiers: Orphanet 206580, MedGen C1970211, MONDO:0012608, OMIM 611067.

Submission:

Labcorp Genetics (formerly Invitae), Labcorp
Classification: Uncertain significance for Neuronopathy, distal hereditary motor, autosomal recessive 4; Charcot-Marie-Tooth disease recessive intermediate C. Last evaluated: 2021-08-26. Review status: criteria provided, single submitter. Criteria: Invitae Variant Classification Sherloc (09022015). Collection method: clinical testing. Allele origin: germline.
Comment: This variant, c.570_572del, results in the deletion of 1 amino acid(s) of the PLEKHG5 protein (p.Arg191del), but otherwise preserves the integrity of the reading frame. This variant is not present in population databases (ExAC no frequency). This variant has not been reported in the literature in individuals affected with PLEKHG5-related conditions. Experimental studies and prediction algorithms are not available or were not evaluated, and the functional significance of this variant is currently unknown. In summary, the available evidence is currently insufficient to determine the role of this variant in disease. Therefore, it has been classified as a Variant of Uncertain Significance.